The following is an entry in ClinVar:

NM_022124.6(CDH23):c.3451C>T (p.Arg1151Trp)

Genes: C10orf105 (chromosome 10 open reading frame 105; minus strand), CDH23 (cadherin related 23; plus strand). Cytogenetic location: 10q22.1.
Variant type: single nucleotide variant.
Coding change: c.3451C>T on transcript NM_022124.6 (MANE Select); coding-DNA position 3451, C replaced by T.
Protein change: p.Arg1151Trp; replaces arginine 1151 with tryptophan.
Molecular consequence: missense variant. On other transcripts: intron variant (1).
Genome position (GRCh38, 1-based): chr10:71,725,392, C>T. VCF-style: chr10-71725392-C-T. GRCh37 (hg19) VCF-style: chr10-73485149-C-T.
Other names: c.-5-9050G>A (NM_001168390.2); c.3451C>T, p.Arg1151Trp (NM_001171930.2); short protein forms R1151W.
Identifiers: ClinVar variation 2142695 (VCV002142695.1), dbSNP rs757628798, ClinGen allele CA5544737.
Genomic context (GRCh38, chr10:71,725,392, plus strand): 5'-GGCAGGGCCGGTGTTCCAGGGGGTCTGTCCCTCCACACAGGTAACCATGGCAACAACTTC[C>T]GGATCCATGTCAGCAATGGGCTCCTGATGCGAGGGCCCCGGCCCCTGGACCGGGAGCGGA-3'
Protein context (NP_071407.4, residues 1141-1161): ILHGNHGNNF[Arg1151Trp]IHVSNGLLMR

ClinVar aggregate classification (germline): Uncertain significance. Review status: criteria provided, multiple submitters, no conflicts (2 of 4 stars). 2 submissions from 2 submitters: Uncertain significance (2). Last evaluated 2025-12-04.

Conditions:
Inborn genetic diseases. Identifiers: MedGen C0950123, MeSH D030342.

Allele frequency attached by ClinVar (database versions not stated): gnomAD 0.00003; TOPMed 0.00003.
gnomAD v4.1: 34 of 1,613,886 alleles (0.0021%); highest among the groups gnomAD compares: African/African-American, 0.004%; no homozygotes.

Submissions (2):

Ambry Genetics
Classification: Uncertain significance for Inborn genetic diseases. Last evaluated: 2025-12-04. Review status: criteria provided, single submitter. Criteria: Ambry Variant Classification Scheme 2023. Collection method: clinical testing. Allele origin: germline.

Labcorp Genetics (formerly Invitae), Labcorp
Classification: Uncertain significance. Last evaluated: 2022-07-19. Review status: criteria provided, single submitter. Criteria: Invitae Variant Classification Sherloc (09022015). Collection method: clinical testing. Allele origin: germline.
Comment: This sequence change replaces arginine, which is basic and polar, with tryptophan, which is neutral and slightly polar, at codon 1151 of the CDH23 protein (p.Arg1151Trp). This variant is present in population databases (rs757628798, gnomAD 0.01%). This variant has not been reported in the literature in individuals affected with CDH23-related conditions. Algorithms developed to predict the effect of missense changes on protein structure and function output the following: SIFT: "Deleterious"; PolyPhen-2: "Not Available"; Align-GVGD: "Class C65". The tryptophan amino acid residue is found in multiple mammalian species, which suggests that this missense change does not adversely affect protein function. In summary, the available evidence is currently insufficient to determine the role of this variant in disease. Therefore, it has been classified as a Variant of Uncertain Significance.